The following is an entry in ClinVar:

ClinVar aggregate classification (germline): Uncertain significance (1 of 4 stars; one submission).

Conditions:
Hereditary nonpolyposis colorectal neoplasms. Identifiers: MedGen C0009405, MeSH D003123.

Submission:

Labcorp Genetics (formerly Invitae), Labcorp
Classification: Uncertain significance for Hereditary nonpolyposis colorectal neoplasms. Last evaluated: 2018-02-07. Review status: criteria provided, single submitter. Criteria: Invitae Variant Classification Sherloc (09022015). Collection method: clinical testing. Allele origin: germline.
Comment: In summary, the available evidence is currently insufficient to determine the role of this variant in disease. Therefore, it has been classified as a Variant of Uncertain Significance. Algorithms developed to predict the effect of missense changes on protein structure and function do not agree on the potential impact of this missense change (SIFT: "Tolerated"; PolyPhen-2: "Possibly Damaging"; Align-GVGD: "Class C0"). This sequence change replaces lysine with asparagine at codon 185 of the MSH6 protein (p.Lys185Asn). The lysine residue is weakly conserved and there is a moderate physicochemical difference between lysine and asparagine. This variant is not present in population databases (ExAC no frequency). This variant has not been reported in the literature in individuals with MSH6-related disease.

NM_000179.3(MSH6):c.555A>C (p.Lys185Asn)

Gene: MSH6 (mutS homolog 6; plus strand). Cytogenetic location: 2p16.3.
Variant type: single nucleotide variant.
Coding change: c.555A>C on transcript NM_000179.3 (MANE Select); coding-DNA position 555, A replaced by C.
Protein change: p.Lys185Asn; replaces lysine 185 with asparagine.
Molecular consequence: missense variant. On other transcripts: 5 prime UTR variant (1), intron variant (2).
Genome position (GRCh38, 1-based): chr2:47,795,991, A>C. VCF-style: chr2-47795991-A-C. GRCh37 (hg19) VCF-style: chr2-48023130-A-C.
Other names: c.-348A>C (NM_001281494.2); c.-279-2620A>C (NM_001281493.2); c.238-2620A>C (NM_001281492.2); short protein forms K185N.
Identifiers: ClinVar variation 582672 (VCV000582672.9), dbSNP rs1558656651, ClinGen allele CA346738756.